The following is an entry in ClinVar:

NM_003470.3(USP7):c.421A>G (p.Ile141Val)

Gene: USP7 (ubiquitin specific peptidase 7; minus strand). Cytogenetic location: 16p13.2.
Variant type: single nucleotide variant.
Coding change: c.421A>G on transcript NM_003470.3 (MANE Select); coding-DNA position 421, A replaced by G.
Protein change: p.Ile141Val; replaces isoleucine 141 with valine.
Molecular consequence: missense variant. On other transcripts: non-coding transcript variant (1).
Genome position (GRCh38, 1-based): chr16:8,921,258, T>C on the plus strand (A>G on the coding strand, the complement: USP7 is on the minus strand). VCF-style: chr16-8921258-T-C. GRCh37 (hg19) VCF-style: chr16-9015115-T-C.
Other names: c.373A>G, p.Ile125Val (NM_001286457.2); c.124A>G, p.Ile42Val (NM_001286458.2); c.247A>G, p.Ile83Val (NM_001321858.2); short protein forms I125V, I141V, I42V, I83V.
Identifiers: ClinVar variation 3359324 (VCV003359324.1).
Genomic context (GRCh38, chr16:8,921,258, plus strand): 5'-TATGGAAGAACAAATGACTAATACGACGACTGAACGACTTTTCATCATCTCTGTAATTTA[T>C]TATCTTCAGCACTGCTTGTGCATGGCAAGACCATGACCTGTTTAAAAGAATAATCTGAGC-3'
Protein context (NP_003461.2, residues 131-151): SCHAQAVLKI[Ile141Val]NYRDDEKSFS

ClinVar aggregate classification (germline): Uncertain significance (1 of 4 stars; one submission).

Submission:

GeneDx
Classification: Uncertain significance. Last evaluated: 2023-05-31. Review status: criteria provided, single submitter. Criteria: GeneDx Variant Classification Process June 2021. Collection method: clinical testing. Allele origin: germline. Affected: yes.
Comment: Not observed at significant frequency in large population cohorts (gnomAD); In silico analysis supports that this missense variant does not alter protein structure/function; Has not been previously published as pathogenic or benign to our knowledge